The following is an entry in ClinVar:

ClinVar aggregate classification (germline): Benign/Likely benign. Review status: criteria provided, multiple submitters, no conflicts (2 of 4 stars). 5 submissions from 5 submitters: Benign (1); Likely benign (4). Last evaluated 2024-07-18.

Conditions:
Hereditary cancer-predisposing syndrome. Also called: Neoplastic Syndromes, Hereditary; Hereditary neoplastic syndrome; Tumor predisposition; Hereditary Cancer Syndrome. Identifiers: Orphanet 140162, MedGen C0027672, MeSH D009386, MONDO:0015356.
Familial cancer of breast. Also called: BREAST CANCER, FAMILIAL; hereditary breast carcinoma; Hereditary breast cancer. Identifiers: Orphanet 227535, MedGen C0346153, MONDO:0016419, OMIM 114480. Disease mechanism: loss of function.

Allele frequency attached by ClinVar (database versions not stated): gnomAD exomes below 0.00001; gnomAD 0.00001; TOPMed 0.00001.
gnomAD v4.1: 3 of 1,612,810 alleles (0.00019%); highest among the groups gnomAD compares: Non-Finnish European, 0.00025%; no homozygotes.

Submissions (5):

Myriad Genetics, Inc.
Classification: Benign for Familial cancer of breast. Last evaluated: 2024-07-18. Review status: criteria provided, single submitter. Criteria: Myriad Autosomal Dominant, Autosomal Recessive and X-Linked Classification Criteria (2023). Collection method: clinical testing. Allele origin: unknown.
Comment: This variant is considered benign. This variant is a silent/synonymous amino acid change and it is not expected to impact splicing.

Labcorp Genetics (formerly Invitae), Labcorp
Classification: Likely benign for Familial cancer of breast. Last evaluated: 2023-09-22. Review status: criteria provided, single submitter. Criteria: Invitae Variant Classification Sherloc (09022015). Collection method: clinical testing. Allele origin: germline.

Women's Health and Genetics/Laboratory Corporation of America, LabCorp
Classification: Likely benign. Last evaluated: 2020-01-16. Review status: criteria provided, single submitter. Criteria: LabCorp Variant Classification Summary - May 2015. Collection method: clinical testing. Allele origin: germline.

Color Diagnostics, LLC DBA Color Health
Classification: Likely benign for Hereditary cancer-predisposing syndrome. Last evaluated: 2018-06-05. Review status: criteria provided, single submitter. Criteria: ACMG Guidelines, 2015. Collection method: clinical testing. Allele origin: germline.

Ambry Genetics
Classification: Likely benign for Hereditary cancer-predisposing syndrome. Last evaluated: 2018-05-08. Review status: criteria provided, single submitter. Criteria: Ambry Variant Classification Scheme 2023. Collection method: clinical testing. Allele origin: germline.

NM_000465.4(BARD1):c.171G>C (p.Leu57=)

Gene: BARD1 (BRCA1 associated RING domain 1; minus strand). Cytogenetic location: 2q35.
Variant type: single nucleotide variant.
Coding change: c.171G>C on transcript NM_000465.4 (MANE Select); coding-DNA position 171, G replaced by C.
Protein change: p.Leu57=; no amino-acid change (leucine 57 retained).
Molecular consequence: synonymous variant. On other transcripts: non-coding transcript variant (2), intron variant (2).
Genome position (GRCh38, 1-based): chr2:214,797,105, C>G on the plus strand (G>C on the coding strand, the complement: BARD1 is on the minus strand). VCF-style: chr2-214797105-C-G. GRCh37 (hg19) VCF-style: chr2-215661829-C-G.
Other names: c.171G>C, p.Leu57= (NM_001282545.2, NM_001282549.2); c.158+12307G>C (NM_001282548.2); c.159-4660G>C (NM_001282543.2).
Identifiers: ClinVar variation 237825 (VCV000237825.19), dbSNP rs876659045, ClinGen allele CA10581943.